The following is an entry in ClinVar:

ClinVar aggregate classification (germline): Uncertain significance. Review status: criteria provided, multiple submitters, no conflicts (2 of 4 stars). 3 submissions from 3 submitters: Uncertain significance (3). Last evaluated 2024-03-28.

Conditions:
Progressive familial heart block type IB (PFHB1B). Identifiers: Orphanet 871, MedGen C1970298, MONDO:0011474, OMIM 604559.
Cardiovascular phenotype. Identifiers: MedGen CN230736.

Allele frequency attached by ClinVar (database versions not stated): gnomAD 0.00001; gnomAD exomes 0.00001; TOPMed 0.00001.
gnomAD v4.1: 10 of 1,609,488 alleles (0.00062%); highest among the groups gnomAD compares: African/African-American, 0.0027%; no homozygotes.

Submissions (3):

Labcorp Genetics (formerly Invitae), Labcorp
Classification: Uncertain significance for Progressive familial heart block type IB. Last evaluated: 2024-03-28. Review status: criteria provided, single submitter. Criteria: Invitae Variant Classification Sherloc (09022015). Collection method: clinical testing. Allele origin: germline.
Comment: This sequence change replaces arginine, which is basic and polar, with cysteine, which is neutral and slightly polar, at codon 140 of the TRPM4 protein (p.Arg140Cys). This variant is not present in population databases (gnomAD no frequency). This variant has not been reported in the literature in individuals affected with TRPM4-related conditions. ClinVar contains an entry for this variant (Variation ID: 664795). An algorithm developed to predict the effect of missense changes on protein structure and function (PolyPhen-2) suggests that this variant is likely to be disruptive. In summary, the available evidence is currently insufficient to determine the role of this variant in disease. Therefore, it has been classified as a Variant of Uncertain Significance.

Ambry Genetics
Classification: Uncertain significance for Cardiovascular phenotype. Last evaluated: 2023-12-26. Review status: criteria provided, single submitter. Criteria: Ambry Variant Classification Scheme 2023. Collection method: clinical testing. Allele origin: germline.

GeneDx
Classification: Uncertain significance. Last evaluated: 2022-03-03. Review status: criteria provided, single submitter. Criteria: GeneDx Variant Classification Process June 2021. Collection method: clinical testing. Allele origin: germline. Affected: yes.
Comment: Not observed at significant frequency in large population cohorts (gnomAD); In silico analysis supports that this missense variant has a deleterious effect on protein structure/function; Has not been previously published as pathogenic or benign to our knowledge

NM_017636.4(TRPM4):c.418C>T (p.Arg140Cys)

Gene: TRPM4 (transient receptor potential cation channel subfamily M member 4; plus strand). Cytogenetic location: 19q13.33.
Variant type: single nucleotide variant.
Coding change: c.418C>T on transcript NM_017636.4 (MANE Select); coding-DNA position 418, C replaced by T.
Protein change: p.Arg140Cys; replaces arginine 140 with cysteine.
Molecular consequence: missense variant. On other transcripts: intron variant (4).
Genome position (GRCh38, 1-based): chr19:49,168,067, C>T. VCF-style: chr19-49168067-C-T. GRCh37 (hg19) VCF-style: chr19-49671324-C-T.
Other names: c.418C>T, p.Arg140Cys (NM_001195227.2); c.-1105-193C>T (NM_001321282.2); c.268-486C>T (NM_001321281.2); c.-74-193C>T (NM_001321283.2); c.-237-486C>T (NM_001321285.2); short protein forms R140C.
Identifiers: ClinVar variation 664795 (VCV000664795.14), dbSNP rs1026482252, ClinGen allele CA309430880.